The following is an entry in ClinVar:

NM_000051.4(ATM):c.2502del (p.Glu834_Val835insTer)

Gene: ATM (ATM serine/threonine kinase; plus strand). Cytogenetic location: 11q22.3.
Variant type: Deletion.
Coding change: c.2502del on transcript NM_000051.4 (MANE Select); coding-DNA position 2502, one base deleted (A; older notation c.2502delA).
Protein change: p.Glu834_Val835insTer.
Molecular consequence: frameshift variant.
Genome position (GRCh38, 1-based): chr11:108,267,206, A deleted; the last of 2 consecutive A bases (chr11:108,267,205-108,267,206); deleting either gives the same sequence. VCF-style (leftmost placement, unchanged base first): chr11-108267204-GA-G. GRCh37 (hg19) VCF-style: chr11-108137931-GA-G.
Other names: c.2502del, p.Glu834_Val835insTer (NM_001351834.2).
Identifiers: ClinVar variation 2087835 (VCV002087835.4), dbSNP rs587779822, ClinGen allele CA2580082970.
Genomic context (GRCh38, chr11:108,267,204, plus strand): 5'-GAACATCTTTGTTTCTCTTCCTTGAAGGCATCCTTCATCAAAAAGCCATTTGACCGTGGA[GA>G]AGTAGAATCAATGGAAGATGATACTAATGGAAATCTAATGGAGGTGGAGGATCAGTCATC-3'

ClinVar aggregate classification (germline): Pathogenic (1 of 4 stars; one submission).

Conditions:
Ataxia-telangiectasia syndrome (AT). Also called: Ataxia-telangiectasia, complementation group D; AT, COMPLEMENTATION GROUP C; ATAXIA-TELANGIECTASIA, COMPLEMENTATION GROUP A; ATAXIA-TELANGIECTASIA, FRESNO VARIANT; Ataxia telangiectasia (A-T); Ataxia-telangiectasia. Identifiers: Orphanet 100, MedGen C0004135, MONDO:0008840, OMIM 208900.

Submission:

Labcorp Genetics (formerly Invitae), Labcorp
Classification: Pathogenic for Ataxia-telangiectasia syndrome. Last evaluated: 2022-03-08. Review status: criteria provided, single submitter. Criteria: Invitae Variant Classification Sherloc (09022015). Collection method: clinical testing. Allele origin: germline.
Comment: This sequence change creates a premature translational stop signal (p.Val835*) in the ATM gene. It is expected to result in an absent or disrupted protein product. Loss-of-function variants in ATM are known to be pathogenic (PMID: 23807571, 25614872). This variant is not present in population databases (gnomAD no frequency). This variant has not been reported in the literature in individuals affected with ATM-related conditions. For these reasons, this variant has been classified as Pathogenic.

Literature cited by the submitters: PubMed 23807571; PubMed 25614872.